The following is an entry in ClinVar:

NM_004370.6(COL12A1):c.6230G>A (p.Arg2077Lys)

Gene: COL12A1 (collagen type XII alpha 1 chain; minus strand). Cytogenetic location: 6q13.
Variant type: single nucleotide variant.
Coding change: c.6230G>A on transcript NM_004370.6 (MANE Select); coding-DNA position 6230, G replaced by A.
Protein change: p.Arg2077Lys; replaces arginine 2077 with lysine.
Molecular consequence: missense variant.
Genome position (GRCh38, 1-based): chr6:75,128,406, C>T on the plus strand (G>A on the coding strand, the complement: COL12A1 is on the minus strand). VCF-style: chr6-75128406-C-T. GRCh37 (hg19) VCF-style: chr6-75838122-C-T.
Other names: c.2738G>A, p.Arg913Lys (NM_080645.3); short protein forms R2077K, R913K.
Identifiers: ClinVar variation 1441987 (VCV001441987.8), dbSNP rs769518059, ClinGen allele CA140985679.

ClinVar aggregate classification (germline): Uncertain significance (1 of 4 stars; one submission).

Conditions:
Ullrich congenital muscular dystrophy 2 (UCMD2). Identifiers: Orphanet 75840, MedGen C4225314, MONDO:0014654, OMIM 616470.
Bethlem myopathy 2 (BTHLM2). Identifiers: Orphanet 536516, Orphanet 610, MedGen C4225313, MONDO:0034022, OMIM 616471.

Allele frequency attached by ClinVar (database versions not stated): gnomAD exomes below 0.00001; TOPMed below 0.00001.

Submission:

Labcorp Genetics (formerly Invitae), Labcorp
Classification: Uncertain significance for Bethlem myopathy 2; Ullrich congenital muscular dystrophy 2. Last evaluated: 2023-05-22. Review status: criteria provided, single submitter. Criteria: Invitae Variant Classification Sherloc (09022015). Collection method: clinical testing. Allele origin: germline.
Comment: In summary, the available evidence is currently insufficient to determine the role of this variant in disease. Therefore, it has been classified as a Variant of Uncertain Significance. Advanced modeling of protein sequence and biophysical properties (such as structural, functional, and spatial information, amino acid conservation, physicochemical variation, residue mobility, and thermodynamic stability) performed at Invitae indicates that this missense variant is not expected to disrupt COL12A1 protein function. ClinVar contains an entry for this variant (Variation ID: 1441987). This variant has not been reported in the literature in individuals affected with COL12A1-related conditions. This variant is not present in population databases (gnomAD no frequency). This sequence change replaces arginine, which is basic and polar, with lysine, which is basic and polar, at codon 2077 of the COL12A1 protein (p.Arg2077Lys).